The following is an entry in ClinVar:

NM_000501.4(ELN):c.1405G>T (p.Ala469Ser)

Gene: ELN (elastin; plus strand). Cytogenetic location: 7q11.23.
Variant type: single nucleotide variant.
Coding change: c.1405G>T on transcript NM_000501.4 (MANE Select); coding-DNA position 1405, G replaced by T.
Protein change: p.Ala469Ser; replaces alanine 469 with serine.
Molecular consequence: missense variant. On other transcripts: intron variant (7).
Genome position (GRCh38, 1-based): chr7:74,057,687, G>T. VCF-style: chr7-74057687-G-T. GRCh37 (hg19) VCF-style: chr7-73472017-G-T.
Other names: c.1420G>T, p.Ala474Ser (NM_001081754.3); c.1405G>T, p.Ala469Ser (NM_001278912.2, NM_001278915.2); c.1375G>T, p.Ala459Ser (NM_001278917.2); c.1492G>T, p.Ala498Ser (NM_001278939.2); c.1372+974G>T (NM_001081753.3); c.1357+974G>T (NM_001081755.3); c.1315+974G>T (NM_001278916.2); c.1171+974G>T (NM_001278913.2); and 3 more; short protein forms A498S, A459S, A469S, A474S.
Identifiers: ClinVar variation 4703022 (VCV004703022.1).

ClinVar aggregate classification (germline): Uncertain significance (1 of 4 stars; one submission).

Conditions:
Supravalvar aortic stenosis (SVAS). Also called: Supravalvar aortic stenosis, Eisenberg type. Identifiers: Orphanet 3193, MedGen C0003499, MONDO:0008504, OMIM 185500, HP:0004381.

gnomAD v4.1: 1 of 1,613,348 alleles (0.000062%); highest among the groups gnomAD compares: Non-Finnish European, 0.000085%; no homozygotes.

Submission:

Labcorp Genetics (formerly Invitae), Labcorp
Classification: Uncertain significance for Supravalvar aortic stenosis. Last evaluated: 2025-04-02. Review status: criteria provided, single submitter. Criteria: Invitae Variant Classification Sherloc (09022015). Collection method: clinical testing. Allele origin: germline.
Comment: This sequence change replaces alanine, which is neutral and non-polar, with serine, which is neutral and polar, at codon 498 of the ELN protein (p.Ala498Ser). This variant is not present in population databases (gnomAD no frequency). This variant has not been reported in the literature in individuals affected with ELN-related conditions. Invitae Evidence Modeling of protein sequence and biophysical properties (such as structural, functional, and spatial information, amino acid conservation, physicochemical variation, residue mobility, and thermodynamic stability) indicates that this missense variant is not expected to disrupt ELN protein function with a negative predictive value of 80%. In summary, the available evidence is currently insufficient to determine the role of this variant in disease. Therefore, it has been classified as a Variant of Uncertain Significance.